The following is an entry in ClinVar:

NM_030973.4(MED25):c.956C>T (p.Pro319Leu)

Gene: MED25 (mediator complex subunit 25; plus strand). Cytogenetic location: 19q13.33.
Variant type: single nucleotide variant.
Coding change: c.956C>T on transcript NM_030973.4 (MANE Select); coding-DNA position 956, C replaced by T.
Protein change: p.Pro319Leu; replaces proline 319 with leucine.
Molecular consequence: missense variant.
Genome position (GRCh38, 1-based): chr19:49,830,742, C>T. VCF-style: chr19-49830742-C-T. GRCh37 (hg19) VCF-style: chr19-50333999-C-T.
Other names: c.956C>T, p.Pro319Leu (NM_001378355.1); short protein forms P319L.
Identifiers: ClinVar variation 1415303 (VCV001415303.6), dbSNP rs139822988, ClinGen allele CA9585100.

ClinVar aggregate classification (germline): Uncertain significance (1 of 4 stars; one submission).

Conditions:
Charcot-Marie-Tooth disease type 2. Also called: Charcot-Marie-Tooth type 2. Identifiers: Orphanet 64746, MedGen C0270914, MONDO:0018993.

Allele frequency attached by ClinVar (database versions not stated): gnomAD exomes below 0.00001; ExAC 0.00001.
gnomAD v4.1: 41 of 1,613,728 alleles (0.0025%); highest among the groups gnomAD compares: South Asian, 0.0044%; no homozygotes.

Submission:

Labcorp Genetics (formerly Invitae), Labcorp
Classification: Uncertain significance for Charcot-Marie-Tooth disease type 2. Last evaluated: 2021-01-16. Review status: criteria provided, single submitter. Criteria: Invitae Variant Classification Sherloc (09022015). Collection method: clinical testing. Allele origin: germline.
Comment: In summary, the available evidence is currently insufficient to determine the role of this variant in disease. Therefore, it has been classified as a Variant of Uncertain Significance. Algorithms developed to predict the effect of missense changes on protein structure and function are either unavailable or do not agree on the potential impact of this missense change (SIFT: "Deleterious"; PolyPhen-2: "Possibly Damaging"; Align-GVGD: "Class C0"). This variant has not been reported in the literature in individuals with MED25-related conditions. This variant is present in population databases (rs139822988, ExAC 0.006%). This sequence change replaces proline with leucine at codon 319 of the MED25 protein (p.Pro319Leu). The proline residue is highly conserved and there is a moderate physicochemical difference between proline and leucine.